The following is an entry in ClinVar:

ClinVar aggregate classification (germline): Benign. Review status: criteria provided, multiple submitters, no conflicts (2 of 4 stars). 4 submissions from 4 submitters: Benign (4). Last evaluated 2026-09-21.

Conditions:
Atrial conduction disease. Identifiers: Orphanet 436242, MedGen CN221670, MONDO:0014500.

Allele frequency attached by ClinVar (database versions not stated): 1000 Genomes Project 30x 0.32417; TOPMed 0.41026; gnomAD 0.42662 and 0.42363; ESP Exome Variant Server 0.44464; ExAC 0.45546; 1000 Genomes Project 0.32448; gnomAD exomes 0.45450.
gnomAD v4.1: 823,554 of 1,602,008 alleles (51%); highest among the groups gnomAD compares: Non-Finnish European, 56%; 221,901 homozygotes.

Submissions (4):

Molecular Diagnostic Laboratory for Inherited Cardiovascular Disease, Montreal Heart Institute
Classification: Benign. Last evaluated: 2026-09-21. Review status: criteria provided, single submitter. Criteria: ACMG Guidelines, 2015. Collection method: clinical testing. Allele origin: germline. Affected: no.
Comment: BA1

Genome-Nilou Lab
Classification: Benign for Cardiac conduction disease with or without dilated cardiomyopathy 1. Last evaluated: 2021-09-10. Review status: criteria provided, single submitter. Criteria: ACMG Guidelines, 2015. Collection method: clinical testing. Allele origin: germline. Affected: no.

GeneDx
Classification: Benign. Last evaluated: 2018-09-06. Review status: criteria provided, single submitter. Criteria: GeneDx Variant Classification Process June 2021. Collection method: clinical testing. Allele origin: germline. Affected: yes.

Breakthrough Genomics
Classification: Benign. Review status: criteria provided, single submitter. Criteria: ACMG Guidelines, 2015. Collection method: not provided. Allele origin: germline. Inheritance: Autosomal dominant inheritance. Affected: yes.

NM_015978.3(TNNI3K):c.2431+30A>G

Genes: FPGT-TNNI3K (FPGT-TNNI3K readthrough; plus strand), TNNI3K (TNNI3 interacting kinase; plus strand). Cytogenetic location: 1p31.1.
Variant type: single nucleotide variant.
Coding change: c.2431+30A>G on transcript NM_015978.3 (MANE Select); 30 bases into the intron after coding-DNA position 2431, A replaced by G.
Molecular consequence: intron variant.
Genome position (GRCh38, 1-based): chr1:74,540,343, A>G. VCF-style: chr1-74540343-A-G. GRCh37 (hg19) VCF-style: chr1-75006027-A-G.
Other names: c.2431+30A>G (NM_015978.2); c.2734+30A>G (NM_001112808.3).
Identifiers: ClinVar variation 1262399 (VCV001262399.7), dbSNP rs3895907, ClinGen allele CA909900.